The following is an entry in ClinVar:

NM_000059.4(BRCA2):c.8057_8058del (p.Leu2686fs)

Gene: BRCA2 (BRCA2 DNA repair associated; plus strand). Cytogenetic location: 13q13.1.
Variant type: Deletion.
Coding change: c.8057_8058del on transcript NM_000059.4 (MANE Select); coding-DNA positions 8057 to 8058, 2 bases deleted (TT; older notation c.8057_8058delTT).
Protein change: p.Leu2686fs; shifts the reading frame from leucine 2686.
Molecular consequence: frameshift variant. On other transcripts: non-coding transcript variant (1).
Genome position (GRCh38, 1-based): chr13:32,363,259-32,363,260, TT deleted. VCF-style (leftmost placement, unchanged base first): chr13-32363258-CTT-C. GRCh37 (hg19) VCF-style: chr13-32937395-CTT-C.
Other names: c.7961_7962del, p.Leu2654fs (NM_001406719.1); c.8057_8058del, p.Leu2686fs (NM_001406720.1, NM_001432077.1); c.3125_3126del, p.Leu1042fs (NM_001406721.1); c.1640_1641del, p.Leu547fs (NM_001406722.1); short protein forms L2654fs, L1042fs, L547fs, L2686fs.
Identifiers: ClinVar variation 3482208 (VCV003482208.2).

ClinVar aggregate classification (germline): Pathogenic/Likely pathogenic. Review status: criteria provided, multiple submitters, no conflicts (2 of 4 stars). 2 submissions from 2 submitters: Pathogenic (1); Likely pathogenic (1). Last evaluated 2024-12-06.

Conditions:
Hereditary cancer-predisposing syndrome. Also called: Tumor predisposition; Neoplastic Syndromes, Hereditary; Hereditary Cancer Syndrome; Hereditary neoplastic syndrome. Identifiers: Orphanet 140162, MedGen C0027672, MeSH D009386, MONDO:0015356.
Hereditary breast ovarian cancer syndrome. Also called: Hereditary breast and ovarian cancer; Breast and ovarian cancer; Hereditary breast and/or ovarian cancer syndrome; Hereditary breast and ovarian cancer syndrome; BRCA1- and BRCA2-Associated Hereditary Breast and Ovarian Cancer; Hereditary breast and ovarian cancer syndrome (HBOC). Identifiers: Orphanet 145, MedGen C0677776, MeSH D061325, MONDO:0003582. Disease mechanism: loss of function.

Submissions (2):

Ambry Genetics
Classification: Pathogenic for Hereditary cancer-predisposing syndrome. Last evaluated: 2024-12-06. Review status: criteria provided, single submitter. Criteria: Ambry Variant Classification Scheme 2023. Collection method: clinical testing. Allele origin: germline.
Comment: The c.8057_8058delTT pathogenic mutation, located in coding exon 17 of the BRCA2 gene, results from a deletion of two nucleotides at nucleotide positions 8057 to 8058, causing a translational frameshift with a predicted alternate stop codon (p.L2686Rfs*6). This variant is considered to be rare based on population cohorts in the Genome Aggregation Database (gnomAD). This alteration is expected to result in loss of function by premature protein truncation or nonsense-mediated mRNA decay. As such, this alteration is interpreted as a disease-causing mutation.

Genetics and Personalized Medicine Clinic, Tartu University Hospital
Classification: Likely pathogenic for Hereditary breast ovarian cancer syndrome. Last evaluated: 2019-01-01. Review status: criteria provided, single submitter. Criteria: ACMG Guidelines, 2015. Collection method: clinical testing. Allele origin: germline. Affected: no. Observed: 1 variant allele.
Comment: This deletion causes a frameshift (p.Leu2686Argfs*6), predicted to result in premature truncation and nonsense-mediated decay. BRCA2 loss-of-function is a well-established mechanism for hereditary breast and ovarian cancer (PVS1).